The following is an entry in ClinVar:

NM_002049.4(GATA1):c.870+8C>T

Genes: GATA1 (GATA binding protein 1; plus strand), LOC119407405 (CRISPRi-FlowFISH-validated PLP2 regulatory element 6; plus strand). Cytogenetic location: Xp11.23.
Variant type: single nucleotide variant.
Coding change: c.870+8C>T on transcript NM_002049.4 (MANE Select); 8 bases into the intron after coding-DNA position 870, C replaced by T.
Molecular consequence: intron variant.
Genome position (GRCh38, 1-based): chrX:48,793,305, C>T. VCF-style: chrX-48793305-C-T. GRCh37 (hg19) VCF-style: chrX-48651712-C-T.
Identifiers: ClinVar variation 705161 (VCV000705161.16), dbSNP rs370706809, ClinGen allele CA10404667.

ClinVar aggregate classification (germline): Conflicting classifications of pathogenicity. Review status: criteria provided, conflicting classifications (1 of 4 stars). 4 submissions from 4 submitters: Uncertain significance (1); Likely benign (2). 1 of the submissions does not count toward it. Last evaluated 2026-05-01.

Conditions:
Diamond-Blackfan anemia. Also called: Blackfan Diamond syndrome; Aregenerative anemia chronic congenital; Red cell aplasia, pure hereditary; Congenital hypoplastic anemia; Aase syndrome. Identifiers: Orphanet 124, MedGen C1260899, MeSH D029503, MONDO:0015253, HP:0004810.
GATA binding protein 1 related thrombocytopenia with dyserythropoiesis. Also called: GATA1-Related Cytopenia; GATA1-Related X-Linked Cytopenia. Identifiers: MedGen C1845837, MONDO:0100089.
GATA1-related disorder. Also called: GATA1-related condition.

Allele frequency attached by ClinVar (database versions not stated): ExAC 0.00002; gnomAD exomes 0.00004 and 0.00006; ESP Exome Variant Server 0.00009.
gnomAD v4.1: 62 of 1,206,988 alleles (0.0051%); highest among the groups gnomAD compares: Non-Finnish European, 0.0062%; no homozygotes.

Submissions (4):

CeGaT Center for Human Genetics Tuebingen
Classification: Likely benign. Last evaluated: 2026-05-01. Review status: criteria provided, single submitter. Criteria: CeGaT Center For Human Genetics Tuebingen Variant Classification Criteria Version 2. Collection method: clinical testing. Allele origin: germline. Affected: yes. Observed: 1 variant allele.
Comment: GATA1: BP4, BS2

Labcorp Genetics (formerly Invitae), Labcorp
Classification: Likely benign for GATA binding protein 1 related thrombocytopenia with dyserythropoiesis; Diamond-Blackfan anemia. Last evaluated: 2025-05-11. Review status: criteria provided, single submitter. Criteria: Invitae Variant Classification Sherloc (09022015). Collection method: clinical testing. Allele origin: germline.

Women's Health and Genetics/Laboratory Corporation of America, LabCorp
Classification: Uncertain significance. Last evaluated: 2024-12-11. Review status: criteria provided, single submitter. Criteria: LabCorp Variant Classification Summary - May 2015. Collection method: clinical testing. Allele origin: germline.
Comment: Variant summary: GATA1 c.870+8C>T alters a non-conserved nucleotide located close to a canonical splice site and therefore could affect mRNA splicing, leading to a significantly altered protein sequence. Consensus agreement among computation tools predict no significant impact on normal splicing. However, these predictions have yet to be confirmed by functional studies. The variant allele was found at a frequency of 3.8e-05 in 182617 control chromosomes. The available data on variant occurrences in the general population are insufficient to allow any conclusion about variant significance. To our knowledge, no occurrence of c.870+8C>T in individuals affected with GATA1-Related Disorders and no experimental evidence demonstrating its impact on protein function have been reported. ClinVar contains an entry for this variant (Variation ID: 705161). Based on the evidence outlined above, the variant was classified as uncertain significance.

PreventionGenetics, part of Exact Sciences
Classification: Likely benign for GATA1-related condition. Last evaluated: 2023-07-12. Review status: no assertion criteria provided. Collection method: clinical testing. Allele origin: germline. Not counted in ClinVar's aggregate classification.
Comment: This variant is classified as likely benign based on ACMG/AMP sequence variant interpretation guidelines (Richards et al. 2015 PMID: 25741868, with internal and published modifications).